The following is an entry in ClinVar:

NM_014712.3(SETD1A):c.1839TCC[4] (p.Pro616_Tyr617insPro)

Gene: SETD1A (SET domain containing 1A, histone lysine methyltransferase; plus strand). Cytogenetic location: 16p11.2.
Variant type: Microsatellite.
Coding change: c.1839TCC[4] on transcript NM_014712.3 (MANE Select); four copies in a row of the 3-base unit TCC starting at c.1839; the reference has three copies in a row; one copy, 3 bases duplicated.
Protein change: p.Pro616_Tyr617insPro.
Molecular consequence: inframe insertion.
Genome position (GRCh38, 1-based): chr16:30,965,726-30,965,728, TCC duplicated; duplicating any 3 consecutive bases within chr16:30,965,718-30,965,728 gives the same sequence; the position shown is the placement nearest the transcript's 3' end. VCF-style (leftmost placement, unchanged base first): chr16-30965717-G-GCCT. GRCh37 (hg19) VCF-style: chr16-30977038-G-GCCT.
Identifiers: ClinVar variation 4975576 (VCV004975576.1).

ClinVar aggregate classification (germline): Uncertain significance (1 of 4 stars; one submission).

Submission:

GeneDx
Classification: Uncertain significance. Last evaluated: 2026-01-23. Review status: criteria provided, single submitter. Criteria: GeneDx Variant Classification Process June 2021. Collection method: clinical testing. Allele origin: germline.
Comment: Has not been previously published as pathogenic or benign to our knowledge; In-frame duplication of 1 amino acid(s) in a non-repeat region; Not observed at significant frequency in large population cohorts (gnomAD)